The following is an entry in ClinVar:

ClinVar aggregate classification (germline): Uncertain significance (1 of 4 stars; one submission).

Submission:

GeneDx
Classification: Uncertain significance. Last evaluated: 2023-02-07. Review status: criteria provided, single submitter. Criteria: GeneDx Variant Classification Process June 2021. Collection method: clinical testing. Allele origin: germline. Affected: yes.
Comment: In-frame deletion of 1 amino acid in a non-repeat region; Not observed at significant frequency in large population cohorts (gnomAD); In silico analysis supports a deleterious effect on protein structure/function; Has not been previously published as pathogenic or benign to our knowledge

NM_030632.3(ASXL3):c.1939ACA[1] (p.Thr648del)

Gene: ASXL3 (ASXL transcriptional regulator 3; plus strand). Cytogenetic location: 18q12.1.
Variant type: Microsatellite.
Coding change: c.1939ACA[1] on transcript NM_030632.3 (MANE Select); one copy of the 3-base unit ACA starting at c.1939; the reference has two copies in a row; one copy, 3 bases deleted.
Protein change: p.Thr648del; deletes threonine 648.
Molecular consequence: inframe deletion.
Genome position (GRCh38, 1-based): chr18:33,739,346-33,739,348, ACA deleted; deleting any 3 consecutive bases within chr18:33,739,343-33,739,348 gives the same sequence; the position shown is the placement nearest the transcript's 3' end. VCF-style (leftmost placement, unchanged base first): chr18-33739342-GACA-G. GRCh37 (hg19) VCF-style: chr18-31319306-GACA-G.
Other names: short protein forms T648del.
Identifiers: ClinVar variation 2575035 (VCV002575035.1), dbSNP rs2510918209, ClinGen allele CA2580612978.
Genomic context (GRCh38, chr18:33,739,342, plus strand): 5'-TTCTCCAGGAGGGGAAACACAGTCCACATCAGAAGAATCATGTACTCCAGCCTCCCTTGA[GACA>G]ACATTTTGTTCTGAGGTATCTAGCACTGAAAATACAGACAAATACAACCAGAGAAATTCC-3'